The following is an entry in ClinVar:

NM_138691.3(TMC1):c.2050G>C (p.Asp684His)

Gene: TMC1 (transmembrane channel like 1; plus strand). Cytogenetic location: 9q21.13.
Variant type: single nucleotide variant.
Coding change: c.2050G>C on transcript NM_138691.3 (MANE Select); coding-DNA position 2050, G replaced by C.
Protein change: p.Asp684His; replaces aspartic acid 684 with histidine.
Molecular consequence: missense variant.
Genome position (GRCh38, 1-based): chr9:72,826,915, G>C. VCF-style: chr9-72826915-G-C. GRCh37 (hg19) VCF-style: chr9-75441831-G-C.
Other names: short protein forms D684H.
Identifiers: ClinVar variation 2635879 (VCV002635879.9), dbSNP rs563322370, ClinGen allele CA5082133.

ClinVar aggregate classification (germline): Pathogenic/Likely pathogenic. Review status: criteria provided, multiple submitters, no conflicts (2 of 4 stars). 7 submissions from 7 submitters: Pathogenic (3); Likely pathogenic (4). Last evaluated 2025-10-13.

Conditions:
Autosomal recessive nonsyndromic hearing loss 7. Also called: DEAFNESS, AUTOSOMAL RECESSIVE 11. Identifiers: Orphanet 90636, MedGen C1832978, MONDO:0010967, OMIM 600974.
TMC1-related disorder. Also called: TMC1-related condition; TMC1-related disorders.
Autosomal dominant nonsyndromic hearing loss 36. Identifiers: Orphanet 90635, MedGen C1847626, MONDO:0011708, OMIM 606705.

gnomAD v4.1: 24 of 1,613,968 alleles (0.0015%); highest among the groups gnomAD compares: East Asian, 0.049%; no homozygotes.

Submissions (7):

Variantyx, Inc.
Classification: Likely pathogenic for Autosomal recessive nonsyndromic hearing loss 7. Last evaluated: 2025-10-13. Review status: criteria provided, single submitter. Criteria: Variantyx Assertion Criteria 2022. Collection method: clinical testing. Allele origin: germline. Inheritance: Autosomal recessive inheritance. Affected: no.
Comment: This is a nonsynonymous variant in the TMC1 gene (OMIM: 606706). Pathogenic variants in this gene have been associated with autosomal recessive deafness 7. This variant has been identified in the homozygous or compound heterozygous state in at least 10 individuals reported in the published literature (PMID: 30896630, 33423255, 29533536, 33095980) (PM3_Strong). An alternate amino acid change at this position (p.Asp684Asn) has been previously reported in similarly affected individuals, which suggests that this residue is biologically important (PMID: 31176026, 26561413, 29533536) (PM5_Supporting). This variant has a 0.0490% maximum allele frequency in non-founder control populations (PM2). Computational algorithms produce conflicting evidence regarding the predicted functional impact of this variant (REVEL score: 0.536). Based on the current evidence, this variant is classified as likely pathogenic for autosomal recessive deafness 7.

Labcorp Genetics (formerly Invitae), Labcorp
Classification: Pathogenic. Last evaluated: 2024-10-03. Review status: criteria provided, single submitter. Criteria: Invitae Variant Classification Sherloc (09022015). Collection method: clinical testing. Allele origin: germline.
Comment: This sequence change replaces aspartic acid, which is acidic and polar, with histidine, which is basic and polar, at codon 684 of the TMC1 protein (p.Asp684His). This variant is present in population databases (rs563322370, gnomAD 0.1%). This missense change has been observed in individuals with autosomal recessive deafness (PMID: 29533536, 30896630, 33095980). It has also been observed to segregate with disease in related individuals. ClinVar contains an entry for this variant (Variation ID: 2635879). Invitae Evidence Modeling of protein sequence and biophysical properties (such as structural, functional, and spatial information, amino acid conservation, physicochemical variation, residue mobility, and thermodynamic stability) has been performed for this missense variant. However, the output from this modeling did not meet the statistical confidence thresholds required to predict the impact of this variant on TMC1 protein function. For these reasons, this variant has been classified as Pathogenic.

GeneDx
Classification: Likely pathogenic. Last evaluated: 2024-03-24. Review status: criteria provided, single submitter. Criteria: GeneDx Variant Classification Process June 2021. Collection method: clinical testing. Allele origin: germline. Affected: yes.
Comment: In silico analysis supports that this missense variant has a deleterious effect on protein structure/function; This variant is associated with the following publications: (PMID: 30896630, 31176026, 33423255, 33095980, 29533536)

Fulgent Genetics
Classification: Likely pathogenic for Autosomal recessive nonsyndromic hearing loss 7; Autosomal dominant nonsyndromic hearing loss 36. Last evaluated: 2024-02-14. Review status: criteria provided, single submitter. Criteria: ACMG Guidelines, 2015. Collection method: clinical testing. Allele origin: germline.

PreventionGenetics, part of Exact Sciences
Classification: Pathogenic for TMC1-related condition. Last evaluated: 2022-10-19. Review status: criteria provided, single submitter. Criteria: ACMG Guidelines, 2015. Collection method: clinical testing. Allele origin: germline.
Comment: The TMC1 c.2050G>C variant is predicted to result in the amino acid substitution p.Asp684His. This variant has been reported in the compound heterozygous and homozygous states in patients with non-syndromic hearing loss (Jiang et al. 2018. PubMed ID: 29533536; Sun et al. 2019. PubMed ID: 30896630; Xiang et al. 2020. PubMed ID: 33095980). A different substitution (Asn) at this amino acid position has also been reported as pathogenic for autosomal recessive hearing loss (Atik et al. 2015. PubMed ID: 26561413). This variant is reported in 0.14% of alleles in individuals of East Asian descent in gnomAD. This variant is interpreted as pathogenic.

Blueprint Genetics
Classification: Pathogenic for TMC1-related disorders. Last evaluated: 2021-06-02. Review status: criteria provided, single submitter. Criteria: ACMG Guidelines, 2015. Collection method: clinical testing. Allele origin: germline. Affected: yes. Observed: 5 variant alleles.

Juno Genomics, Hangzhou Juno Genomics, Inc
Classification: Likely pathogenic for Autosomal recessive nonsyndromic hearing loss 7. Review status: criteria provided, single submitter. Criteria: ACMG Guidelines, 2015. Collection method: clinical testing. Allele origin: germline.
Comment: Absent from controls (or at extremely low frequency if recessive) in Genome Aggregation Database.;For recessive disorders, detected in trans with a pathogenic variant.

Literature cited by the submitters: PubMed 31176026 (cited by Variantyx, Inc.); PubMed 26561413 (cited by Variantyx, Inc.); PubMed 29533536 (cited by Variantyx, Inc. and Labcorp Genetics (formerly Invitae), Labcorp); PubMed 30896630 (cited by Variantyx, Inc. and Labcorp Genetics (formerly Invitae), Labcorp); PubMed 33423255 (cited by Variantyx, Inc.); PubMed 33095980 (cited by Variantyx, Inc. and Labcorp Genetics (formerly Invitae), Labcorp).